The following is an entry in ClinVar:

NM_000038.6(APC):c.1336A>C (p.Ile446Leu)

Gene: APC (APC regulator of Wnt signaling pathway; plus strand). Cytogenetic location: 5q22.2.
Variant type: single nucleotide variant.
Coding change: c.1336A>C on transcript NM_000038.6 (MANE Select); coding-DNA position 1336, A replaced by C.
Protein change: p.Ile446Leu; replaces isoleucine 446 with leucine.
Molecular consequence: missense variant.
Genome position (GRCh38, 1-based): chr5:112,821,919, A>C. VCF-style: chr5-112821919-A-C. GRCh37 (hg19) VCF-style: chr5-112157616-A-C.
Other names: c.1159A>C, p.Ile387Leu (NM_001354900.2, NM_001354901.2); c.1063A>C, p.Ile355Leu (NM_001354902.2); c.1033A>C, p.Ile345Leu (NM_001354903.2); c.958A>C, p.Ile320Leu (NM_001354904.2); c.856A>C, p.Ile286Leu (NM_001354905.2); c.487A>C, p.Ile163Leu (NM_001354906.2); c.1336A>C, p.Ile446Leu (NM_001127510.3, NM_001354895.2, NM_001354896.2); c.1282A>C, p.Ile428Leu (NM_001127511.3); and 3 more; short protein forms I163L, I286L, I320L, I345L, I355L, I387L, I418L, I421L.
Identifiers: ClinVar variation 1316460 (VCV001316460.10), dbSNP rs1763171856, ClinGen allele CA16024229.

ClinVar aggregate classification (germline): Uncertain significance. Review status: criteria provided, multiple submitters, no conflicts (2 of 4 stars). 3 submissions from 3 submitters: Uncertain significance (3). Last evaluated 2026-07-02.

Conditions:
Familial adenomatous polyposis 1 (FAP1). Also called: FAMILIAL ADENOMATOUS POLYPOSIS 1, ATTENUATED; POLYPOSIS, ADENOMATOUS INTESTINAL. Identifiers: MedGen C2713442, MONDO:0021056, OMIM 175100. Disease mechanism: loss of function.
Hereditary cancer-predisposing syndrome. Also called: Neoplastic Syndromes, Hereditary; Tumor predisposition; Hereditary Cancer Syndrome; Hereditary neoplastic syndrome. Identifiers: Orphanet 140162, MedGen C0027672, MeSH D009386, MONDO:0015356.

Submissions (3):

Ambry Genetics
Classification: Uncertain significance for Hereditary cancer-predisposing syndrome. Last evaluated: 2026-07-02. Review status: criteria provided, single submitter. Criteria: Ambry Variant Classification Scheme 2023. Collection method: clinical testing. Allele origin: germline.
Comment: The p.I446L variant (also known as c.1336A>C), located in coding exon 10 of the APC gene, results from an A to C substitution at nucleotide position 1336. The isoleucine at codon 446 is replaced by leucine, an amino acid with highly similar properties. This amino acid position is conserved. In addition, in silico predictors for this gene do not accurately predict pathogenicity. Based on the available evidence, the clinical significance of this variant remains unclear.

Labcorp Genetics (formerly Invitae), Labcorp
Classification: Uncertain significance for Familial adenomatous polyposis 1. Last evaluated: 2020-12-20. Review status: criteria provided, single submitter. Criteria: Invitae Variant Classification Sherloc (09022015). Collection method: clinical testing. Allele origin: germline.
Comment: In summary, the available evidence is currently insufficient to determine the role of this variant in disease. Therefore, it has been classified as a Variant of Uncertain Significance. Algorithms developed to predict the effect of missense changes on protein structure and function are either unavailable or do not agree on the potential impact of this missense change (SIFT: "Deleterious"; PolyPhen-2: "Benign"; Align-GVGD: "Class C0"). This variant has not been reported in the literature in individuals with APC-related conditions. This variant is not present in population databases (ExAC no frequency). This sequence change replaces isoleucine with leucine at codon 446 of the APC protein (p.Ile446Leu). The isoleucine residue is highly conserved and there is a small physicochemical difference between isoleucine and leucine.

GeneDx
Classification: Uncertain significance. Last evaluated: 2019-10-10. Review status: criteria provided, single submitter. Criteria: GeneDx Variant Classification Process June 2021. Collection method: clinical testing. Allele origin: germline. Affected: yes.
Comment: Not observed in large population cohorts (Lek 2016); In silico analysis, which includes protein predictors and evolutionary conservation, supports that this variant does not alter protein structure/function; Has not been previously published as pathogenic or benign to our knowledge